The following is an entry in ClinVar:

NM_021927.3(GUF1):c.658G>A (p.Glu220Lys)

Gene: GUF1 (GTP binding elongation factor GUF1; plus strand). Cytogenetic location: 4p12.
Variant type: single nucleotide variant.
Coding change: c.658G>A on transcript NM_021927.3 (MANE Select); coding-DNA position 658, G replaced by A.
Protein change: p.Glu220Lys; replaces glutamic acid 220 with lysine.
Molecular consequence: missense variant. On other transcripts: 5 prime UTR variant (2).
Genome position (GRCh38, 1-based): chr4:44,683,307, G>A. VCF-style: chr4-44683307-G-A. GRCh37 (hg19) VCF-style: chr4-44685324-G-A.
Other names: c.-315G>A (NM_001345867.2, NM_001345869.2); c.658G>A, p.Glu220Lys (NM_001345868.2); short protein forms E220K.
Identifiers: ClinVar variation 2970383 (VCV002970383.3), dbSNP rs200843707, ClinGen allele CA2905379.
Genomic context (GRCh38, chr4:44,683,307, plus strand): 5'-AATGCTGATCCTGAAAGGGTTGAAAACCAAATTGAGAAAGTGTTTGATATTCCAAGTGAT[G>A]AATGTATTAAGGTAAAATACGTTCCTAAAAAGATTATACTTTGAAAAAAGTCTCAAGTAA-3'
Protein context (NP_068746.2, residues 210-230): IEKVFDIPSD[Glu220Lys]CIKISAKLGT

ClinVar aggregate classification (germline): Uncertain significance (1 of 4 stars; one submission).

Submission:

Labcorp Genetics (formerly Invitae), Labcorp
Classification: Uncertain significance. Last evaluated: 2024-01-07. Review status: criteria provided, single submitter. Criteria: Invitae Variant Classification Sherloc (09022015). Collection method: clinical testing. Allele origin: germline.
Comment: This sequence change replaces glutamic acid, which is acidic and polar, with lysine, which is basic and polar, at codon 220 of the GUF1 protein (p.Glu220Lys). This variant is present in population databases (rs200843707, gnomAD 0.003%). This variant has not been reported in the literature in individuals affected with GUF1-related conditions. Advanced modeling of protein sequence and biophysical properties (such as structural, functional, and spatial information, amino acid conservation, physicochemical variation, residue mobility, and thermodynamic stability) performed at Invitae indicates that this missense variant is not expected to disrupt GUF1 protein function with a negative predictive value of 80%. In summary, the available evidence is currently insufficient to determine the role of this variant in disease. Therefore, it has been classified as a Variant of Uncertain Significance.